The following is an entry in ClinVar:

NM_003628.6(PKP4):c.1130C>T (p.Pro377Leu)

Gene: PKP4 (plakophilin 4; plus strand). Cytogenetic location: 2q24.1.
Variant type: single nucleotide variant.
Coding change: c.1130C>T on transcript NM_003628.6 (MANE Select); coding-DNA position 1130, C replaced by T.
Protein change: p.Pro377Leu; replaces proline 377 with leucine.
Molecular consequence: missense variant.
Genome position (GRCh38, 1-based): chr2:158,625,404, C>T. VCF-style: chr2-158625404-C-T. GRCh37 (hg19) VCF-style: chr2-159481916-C-T.
Other names: c.1130C>T, p.Pro377Leu (NM_001005476.4, NM_001304969.3, NM_001304971.2 and 6 more transcripts); c.104C>T, p.Pro35Leu (NM_001304970.3); c.1124C>T, p.Pro375Leu (NM_001377222.1, NM_001377223.1, NM_001377224.1); short protein forms P35L, P375L, P377L.
Identifiers: ClinVar variation 3223483 (VCV003223483.1), dbSNP rs749929345, ClinGen allele CA348907239.
Genomic context (GRCh38, chr2:158,625,404, plus strand): 5'-CTGTTCATGACATGGAGCAATTCGGACAGCAGCAGTATGACATTTATGAGAGGATGGTTC[C>T]ACCCAGGCCAGACAGCCTGACAGGTGCGTACAAGGTGACAGTGCTACATAAAACCCAGTG-3'
Protein context (NP_003619.2, residues 367-387): QQYDIYERMV[Pro377Leu]PRPDSLTGLR

ClinVar aggregate classification (germline): Uncertain significance (1 of 4 stars; one submission).

Submission:

Ambry Genetics
Classification: Uncertain significance. Last evaluated: 2023-10-05. Review status: criteria provided, single submitter. Criteria: Ambry Variant Classification Scheme 2023. Collection method: clinical testing. Allele origin: germline.
Comment: The p.P377L variant (also known as c.1130C>T), located in coding exon 6 of the PKP4 gene, results from a C to T substitution at nucleotide position 1130. The proline at codon 377 is replaced by leucine, an amino acid with similar properties. This amino acid position is conserved. In addition, the in silico prediction for this alteration is inconclusive. Since supporting evidence is limited at this time, the clinical significance of this alteration remains unclear.